The following is an entry in ClinVar:

ClinVar aggregate classification (germline): Uncertain significance (1 of 4 stars; one submission).

gnomAD v4.1: 11 of 1,613,884 alleles (0.00068%); highest among the groups gnomAD compares: African/African-American, 0.0013%; no homozygotes.

Submission:

Labcorp Genetics (formerly Invitae), Labcorp
Classification: Uncertain significance. Last evaluated: 2024-07-24. Review status: criteria provided, single submitter. Criteria: Invitae Variant Classification Sherloc (09022015). Collection method: clinical testing. Allele origin: germline.
Comment: This sequence change replaces threonine, which is neutral and polar, with asparagine, which is neutral and polar, at codon 1482 of the FLNB protein (p.Thr1482Asn). This variant is present in population databases (no rsID available, gnomAD 0.0009%). This variant has not been reported in the literature in individuals affected with FLNB-related conditions. Advanced modeling of protein sequence and biophysical properties (such as structural, functional, and spatial information, amino acid conservation, physicochemical variation, residue mobility, and thermodynamic stability) performed at Invitae indicates that this missense variant is not expected to disrupt FLNB protein function with a negative predictive value of 95%. In summary, the available evidence is currently insufficient to determine the role of this variant in disease. Therefore, it has been classified as a Variant of Uncertain Significance.

NM_001457.4(FLNB):c.4445C>A (p.Thr1482Asn)

Gene: FLNB (filamin B; plus strand). Cytogenetic location: 3p14.3.
Variant type: single nucleotide variant.
Coding change: c.4445C>A on transcript NM_001457.4 (MANE Select); coding-DNA position 4445, C replaced by A.
Protein change: p.Thr1482Asn; replaces threonine 1482 with asparagine.
Molecular consequence: missense variant.
Genome position (GRCh38, 1-based): chr3:58,132,862, C>A. VCF-style: chr3-58132862-C-A. GRCh37 (hg19) VCF-style: chr3-58118589-C-A.
Other names: c.4538C>A, p.Thr1513Asn (NM_001164317.2); c.4445C>A, p.Thr1482Asn (NM_001164318.2, NM_001164319.2); short protein forms T1482N, T1513N.
Identifiers: ClinVar variation 3619637 (VCV003619637.2).